The following is an entry in ClinVar:

NM_001972.4(ELANE):c.526G>A (p.Val176Met)

Gene: ELANE (elastase, neutrophil expressed; plus strand). Cytogenetic location: 19p13.3.
Variant type: single nucleotide variant.
Coding change: c.526G>A on transcript NM_001972.4 (MANE Select); coding-DNA position 526, G replaced by A.
Protein change: p.Val176Met; replaces valine 176 with methionine.
Molecular consequence: missense variant.
Genome position (GRCh38, 1-based): chr19:855,723, G>A. VCF-style: chr19-855723-G-A. GRCh37 (hg19) VCF-style: chr19-855723-G-A.
Other names: short protein forms V176M.
Identifiers: ClinVar variation 4017371 (VCV004017371.1).

ClinVar aggregate classification (germline): Uncertain significance (1 of 4 stars; one submission).

Conditions:
Inborn genetic diseases. Identifiers: MedGen C0950123, MeSH D030342.

Submission:

Ambry Genetics
Classification: Uncertain significance for Inborn genetic diseases. Last evaluated: 2025-04-02. Review status: criteria provided, single submitter. Criteria: Ambry Variant Classification Scheme 2023. Collection method: clinical testing. Allele origin: germline.
Comment: The p.V176M variant (also known as c.526G>A), located in coding exon 4 of the ELANE gene, results from a G to A substitution at nucleotide position 526. The valine at codon 176 is replaced by methionine, an amino acid with highly similar properties. This amino acid position is conserved. In addition, the in silico prediction for this alteration is inconclusive. Based on the available evidence, the clinical significance of this variant remains unclear.